The following is an entry in ClinVar:

NM_015046.7(SETX):c.719-4A>G

Gene: SETX (senataxin; minus strand). Cytogenetic location: 9q34.13.
Variant type: single nucleotide variant.
Coding change: c.719-4A>G on transcript NM_015046.7 (MANE Select); 4 bases into the intron before coding-DNA position 719, A replaced by G.
Molecular consequence: intron variant.
Genome position (GRCh38, 1-based): chr9:132,334,731, T>C on the plus strand (A>G on the coding strand, the complement: SETX is on the minus strand). VCF-style: chr9-132334731-T-C. GRCh37 (hg19) VCF-style: chr9-135210118-T-C.
Other names: c.719-4A>G (NM_001351528.2, NM_001351527.2).
Identifiers: ClinVar variation 1091721 (VCV001091721.37), dbSNP rs775443601, ClinGen allele CA5297952.
Genomic context (GRCh38, chr9:132,334,731, plus strand): 5'-CCAACAACAGGGAATCCATGGCTTGTTCCTCAAGAATGGTCAGCAACATGCAAATACCTG[T>C]AAGATCATTTAGAGTTATCTTGAATTGATGAAATAATACTATACTAATGCCTGGTTTAGT-3'

ClinVar aggregate classification (germline): Conflicting classifications of pathogenicity. Review status: criteria provided, conflicting classifications (1 of 4 stars). 5 submissions from 5 submitters: Uncertain significance (3); Likely benign (2). Last evaluated 2025-09-12.

Conditions:
Amyotrophic lateral sclerosis type 4 (ALS4). Also called: AMYOTROPHIC LATERAL SCLEROSIS 4, JUVENILE; NEURONOPATHY, DISTAL HEREDITARY MOTOR, WITH PYRAMIDAL FEATURES. Identifiers: Orphanet 357043, MedGen C1865409, MONDO:0011223, OMIM 602433.
Spinocerebellar ataxia, autosomal recessive, with axonal neuropathy 2 (SCAN2). Also called: ATAXIA-OCULOMOTOR APRAXIA 2; Ataxia-ocular apraxia-2; Ataxia with Oculomotor Apraxia; Ataxia with Oculomotor Apraxia Type 2. Identifiers: Orphanet 64753, MedGen C1853761, MONDO:0018996, OMIM 606002.
Hereditary spastic paraplegia. Also called: Familial spastic paraparesis. Identifiers: Orphanet 685, MedGen C0037773, MONDO:0019064. Disease mechanism: loss of function.
Inborn genetic diseases. Identifiers: MedGen C0950123, MeSH D030342.
SETX-related disorder. Also called: SETX-related condition; SETX-related disorders. Identifiers: MedGen CN239403.

Allele frequency attached by ClinVar (database versions not stated): TOPMed 0.00001; ExAC 0.00003; gnomAD exomes 0.00003 and 0.00004.
gnomAD v4.1: 40 of 1,614,020 alleles (0.0025%); highest among the groups gnomAD compares: Admixed American, 0.005%; no homozygotes.

Submissions (5):

PreventionGenetics, part of Exact Sciences
Classification: Likely benign for SETX-related condition. Last evaluated: 2025-09-12. Review status: criteria provided, single submitter. Criteria: ACMG Guidelines, 2015. Collection method: clinical testing. Allele origin: germline.
Comment: This variant is classified as likely benign based on ACMG/AMP sequence variant interpretation guidelines (Richards et al. 2015 PMID: 25741868, with internal and published modifications).

CeGaT Center for Human Genetics Tuebingen
Classification: Uncertain significance. Last evaluated: 2024-01-01. Review status: criteria provided, single submitter. Criteria: CeGaT Center For Human Genetics Tuebingen Variant Classification Criteria Version 2. Collection method: clinical testing. Allele origin: germline. Affected: yes. Observed: 1 variant allele.
Comment: SETX: PM2, BP4

Labcorp Genetics (formerly Invitae), Labcorp
Classification: Likely benign for Amyotrophic lateral sclerosis type 4; Spinocerebellar ataxia, autosomal recessive, with axonal neuropathy 2. Last evaluated: 2023-05-22. Review status: criteria provided, single submitter. Criteria: Invitae Variant Classification Sherloc (09022015). Collection method: clinical testing. Allele origin: germline.

Ambry Genetics
Classification: Uncertain significance for Inborn genetic diseases. Last evaluated: 2021-04-27. Review status: criteria provided, single submitter. Criteria: Ambry Variant Classification Scheme 2023. Collection method: clinical testing. Allele origin: germline.
Comment: The c.719-4A>G intronic variant results from an A to G substitution 4 nucleotides upstream from coding exon 5 in the SETX gene. This nucleotide position is not well conserved in available vertebrate species. In silico splice site analysis predicts that this alteration will not have any significant effect on splicing. Based on the supporting evidence, this variant is unlikely to be causative of autosomal dominant juvenile amyotrophic lateral sclerosis (ALS4); however, its contribution to the development of autosomal recessive spinocerebellar ataxia with axonal neuropathy 2 (SCAN2) is uncertain.

Genome Diagnostics Laboratory, The Hospital for Sick Children
Classification: Uncertain significance for Hereditary spastic paraplegia. Last evaluated: 2019-12-01. Review status: criteria provided, single submitter. Criteria: ACMG Guidelines, 2015. Collection method: clinical testing. Allele origin: germline. Affected: yes.